The following is an entry in ClinVar:

NM_001276270.2(MBD4):c.1544A>T (p.Asp515Val)

Gene: MBD4 (methyl-CpG binding domain 4, DNA glycosylase; minus strand). Cytogenetic location: 3q21.3.
Variant type: single nucleotide variant.
Coding change: c.1544A>T on transcript NM_001276270.2 (MANE Select); coding-DNA position 1544, A replaced by T.
Protein change: p.Asp515Val; replaces aspartic acid 515 with valine.
Molecular consequence: missense variant.
Genome position (GRCh38, 1-based): chr3:129,432,606, T>A on the plus strand (A>T on the coding strand, the complement: MBD4 is on the minus strand). VCF-style: chr3-129432606-T-A. GRCh37 (hg19) VCF-style: chr3-129151449-T-A.
Other names: c.1562A>T, p.Asp521Val (NM_001276271.2, NM_001276272.2, NM_003925.3); c.608A>T, p.Asp203Val (NM_001276273.2); short protein forms D203V, D521V, D515V.
Identifiers: ClinVar variation 5024036 (VCV005024036.1).

ClinVar aggregate classification (germline): Uncertain significance (1 of 4 stars; one submission).

Conditions:
Inborn genetic diseases. Identifiers: MedGen C0950123, MeSH D030342.

Submission:

Ambry Genetics
Classification: Uncertain significance for Inborn genetic diseases. Last evaluated: 2026-08-26. Review status: criteria provided, single submitter. Criteria: Ambry Variant Classification Scheme 2023. Collection method: clinical testing. Allele origin: germline.
Comment: The p.D515V variant (also known as c.1544A>T) is located in coding exon 7 of the MBD4 gene. The aspartic acid at codon 515 is replaced by valine, an amino acid with highly dissimilar properties. This change occurs in the first base pair of coding exon 7. This nucleotide position is highly conserved in available vertebrate species. In silico splice site analysis predicts that this alteration may weaken the native splice acceptor site; however, direct evidence is insufficient at this time (Ambry internal data). Based on the available evidence, the clinical significance of this variant remains unclear.